The following is an entry in ClinVar:

NM_001378457.1(DMXL2):c.2812G>C (p.Gly938Arg)

Gene: DMXL2 (Dmx like 2; minus strand). Cytogenetic location: 15q21.2.
Variant type: single nucleotide variant.
Coding change: c.2812G>C on transcript NM_001378457.1 (MANE Select); coding-DNA position 2812, G replaced by C.
Protein change: p.Gly938Arg; replaces glycine 938 with arginine.
Molecular consequence: missense variant. On other transcripts: non-coding transcript variant (2), intron variant (2).
Genome position (GRCh38, 1-based): chr15:51,502,986, C>G on the plus strand (G>C on the coding strand, the complement: DMXL2 is on the minus strand). VCF-style: chr15-51502986-C-G. GRCh37 (hg19) VCF-style: chr15-51795183-C-G.
Other names: c.2812G>C, p.Gly938Arg (NM_001174116.3, NM_001378458.1, NM_001378459.1 and 4 more transcripts); c.2572G>C, p.Gly858Arg (NM_001378464.1); c.2764+4148G>C (NM_001378460.1, NM_001174117.3); short protein forms G858R, G938R.
Identifiers: ClinVar variation 1408741 (VCV001408741.6), dbSNP rs2140515333, ClinGen allele CA392438699.
Genomic context (GRCh38, chr15:51,502,986, plus strand): 5'-AATGTGGCATGGGGCTCACACTAGGAGAGGTTTCTGGAGAAGAATCTACGTTCTTCTGTC[C>G]AGGGACTGAAAGTAGACTCTCAGAGGAAGCCCCTTCTGAAGCTTTAGCTTTAAAAATAAA-3'
Protein context (NP_001365386.1, residues 928-948): ASSESLLSVP[Gly938Arg]QKNVDSSPET

ClinVar aggregate classification (germline): Uncertain significance (1 of 4 stars; one submission).

Submission:

Labcorp Genetics (formerly Invitae), Labcorp
Classification: Uncertain significance. Last evaluated: 2022-02-02. Review status: criteria provided, single submitter. Criteria: Invitae Variant Classification Sherloc (09022015). Collection method: clinical testing. Allele origin: germline.
Comment: This variant has not been reported in the literature in individuals affected with DMXL2-related conditions. This sequence change replaces glycine, which is neutral and non-polar, with arginine, which is basic and polar, at codon 938 of the DMXL2 protein (p.Gly938Arg). This variant is not present in population databases (gnomAD no frequency). Algorithms developed to predict the effect of missense changes on protein structure and function (SIFT, PolyPhen-2, Align-GVGD) all suggest that this variant is likely to be tolerated. In summary, the available evidence is currently insufficient to determine the role of this variant in disease. Therefore, it has been classified as a Variant of Uncertain Significance.